The following is an entry in ClinVar:

NM_000246.4(CIITA):c.1963G>A (p.Gly655Arg)

Gene: CIITA (class II major histocompatibility complex transactivator; plus strand). Cytogenetic location: 16p13.13.
Variant type: single nucleotide variant.
Coding change: c.1963G>A on transcript NM_000246.4 (MANE Select); coding-DNA position 1963, G replaced by A.
Protein change: p.Gly655Arg; replaces glycine 655 with arginine.
Molecular consequence: missense variant. On other transcripts: intron variant (1).
Genome position (GRCh38, 1-based): chr16:10,907,455, G>A. VCF-style: chr16-10907455-G-A. GRCh37 (hg19) VCF-style: chr16-11001312-G-A.
Other names: c.1966G>A, p.Gly656Arg (NM_001286402.1, NM_001379332.1); c.1819G>A, p.Gly607Arg (NM_001379330.1); c.1816G>A, p.Gly606Arg (NM_001379331.1); c.1963G>A, p.Gly655Arg (NM_001379333.1); c.1894G>A, p.Gly632Arg (NM_001379334.1); c.860-1528G>A (NM_001286403.2); short protein forms G607R, G656R, G606R, G632R, G655R.
Identifiers: ClinVar variation 1399174 (VCV001399174.5), dbSNP rs919087827, ClinGen allele CA394732113.

ClinVar aggregate classification (germline): Uncertain significance (1 of 4 stars; one submission).

Conditions:
MHC class II deficiency. Also called: BLS, TYPE II; Bare lymphocyte syndrome 2. Identifiers: Orphanet 572, MedGen C5447452, MONDO:0008855.

Allele frequency attached by ClinVar (database versions not stated): gnomAD 0.00001.
gnomAD v4.1: 8 of 1,613,106 alleles (0.0005%); highest among the groups gnomAD compares: African/African-American, 0.0013%; no homozygotes.

Submission:

Labcorp Genetics (formerly Invitae), Labcorp
Classification: Uncertain significance for MHC class II deficiency. Last evaluated: 2022-07-05. Review status: criteria provided, single submitter. Criteria: Invitae Variant Classification Sherloc (09022015). Collection method: clinical testing. Allele origin: germline.
Comment: This sequence change replaces glycine, which is neutral and non-polar, with arginine, which is basic and polar, at codon 655 of the CIITA protein (p.Gly655Arg). This variant is not present in population databases (gnomAD no frequency). This variant has not been reported in the literature in individuals affected with CIITA-related conditions. ClinVar contains an entry for this variant (Variation ID: 1399174). Algorithms developed to predict the effect of missense changes on protein structure and function are either unavailable or do not agree on the potential impact of this missense change (SIFT: "Deleterious"; PolyPhen-2: "Benign"; Align-GVGD: "Class C0"). In summary, the available evidence is currently insufficient to determine the role of this variant in disease. Therefore, it has been classified as a Variant of Uncertain Significance.